The following is an entry in ClinVar:

ClinVar aggregate classification (germline): Uncertain significance (1 of 4 stars; one submission).

Submission:

Labcorp Genetics (formerly Invitae), Labcorp
Classification: Uncertain significance. Last evaluated: 2021-04-08. Review status: criteria provided, single submitter. Criteria: Invitae Variant Classification Sherloc (09022015). Collection method: clinical testing. Allele origin: germline.
Comment: In summary, the available evidence is currently insufficient to determine the role of this variant in disease. Therefore, it has been classified as a Variant of Uncertain Significance. This variant disrupts the p.Arg109 amino acid residue in LRAT. Other variant(s) that disrupt this residue have been observed in individuals with LRAT-related conditions (PMID: 17525851), which suggests that this may be a clinically significant amino acid residue. Algorithms developed to predict the effect of missense changes on protein structure and function (SIFT, PolyPhen-2, Align-GVGD) all suggest that this variant is likely to be disruptive, but these predictions have not been confirmed by published functional studies and their clinical significance is uncertain. This variant has been observed in individual(s) with early onset retinal dystrophy (PMID: 24625443, 31448181). This variant is not present in population databases (ExAC no frequency). This sequence change replaces arginine with leucine at codon 109 of the LRAT protein (p.Arg109Leu). The arginine residue is highly conserved and there is a moderate physicochemical difference between arginine and leucine.

Literature cited by the submitters: PubMed 17525851; PubMed 24625443; PubMed 31448181.

NM_004744.5(LRAT):c.326G>T (p.Arg109Leu)

Gene: LRAT (lecithin retinol acyltransferase; plus strand). Cytogenetic location: 4q32.1.
Variant type: single nucleotide variant.
Coding change: c.326G>T on transcript NM_004744.5 (MANE Select); coding-DNA position 326, G replaced by T.
Protein change: p.Arg109Leu; replaces arginine 109 with leucine.
Molecular consequence: missense variant.
Genome position (GRCh38, 1-based): chr4:154,744,652, G>T. VCF-style: chr4-154744652-G-T. GRCh37 (hg19) VCF-style: chr4-155665804-G-T.
Other names: c.326G>T, p.Arg109Leu (NM_001301645.2); short protein forms R109L.
Identifiers: ClinVar variation 1473930 (VCV001473930.8), dbSNP rs2111032827, ClinGen allele CA358630458.